The following is an entry in ClinVar:

ClinVar aggregate classification (germline): Benign/Likely benign. Review status: criteria provided, multiple submitters, no conflicts (2 of 4 stars). 8 submissions from 8 submitters: Benign (1); Likely benign (7). Last evaluated 2026-01-20.

Conditions:
MYH7-related disorder. Also called: MYH7-related condition; MYH7-related disease; MYH7-related disorders.
Cardiovascular phenotype. Identifiers: MedGen CN230736.
Cardiomyopathy (CMYO). Also called: Cardiomyopathies. Identifiers: Orphanet 167848, MedGen C0878544, MONDO:0004994, HP:0001638. Inheritance: Various modes of inheritance.
Hypertrophic cardiomyopathy. Also called: HYPERTROPHIC MYOCARDIOPATHY. Identifiers: Orphanet 217569, MedGen C0007194, MeSH D002312, MONDO:0005045, HP:0001639.

Allele frequency attached by ClinVar (database versions not stated): gnomAD exomes below 0.00001 and 0.00001; gnomAD 0.00001; TOPMed 0.00003; ExAC 0.00001.
gnomAD v4.1: 18 of 1,614,120 alleles (0.0011%); highest among the groups gnomAD compares: Non-Finnish European, 0.0015%; no homozygotes.

Submissions (8):

PreventionGenetics, part of Exact Sciences
Classification: Likely benign for MYH7-related condition. Last evaluated: 2026-01-20. Review status: criteria provided, single submitter. Criteria: ACMG Guidelines, 2015. Collection method: clinical testing. Allele origin: germline.
Comment: This variant is classified as likely benign based on ACMG/AMP sequence variant interpretation guidelines (Richards et al. 2015 PMID: 25741868, with internal and published modifications).

Labcorp Genetics (formerly Invitae), Labcorp
Classification: Likely benign for Hypertrophic cardiomyopathy. Last evaluated: 2025-12-31. Review status: criteria provided, single submitter. Criteria: Invitae Variant Classification Sherloc (09022015). Collection method: clinical testing. Allele origin: germline.

Women's Health and Genetics/Laboratory Corporation of America, LabCorp
Classification: Likely benign. Last evaluated: 2025-04-29. Review status: criteria provided, single submitter. Criteria: LabCorp Variant Classification Summary - May 2015. Collection method: clinical testing. Allele origin: germline.

All of Us Research Program, National Institutes of Health
Classification: Likely benign for Cardiomyopathy. Last evaluated: 2023-12-07. Review status: criteria provided, single submitter. Criteria: ACMG Guidelines, 2015. Collection method: clinical testing. Allele origin: germline. Inheritance: Autosomal dominant inheritance. Observed: 8 variant alleles, 8 heterozygotes.
Comment: This study involves interpretation of variants in research participants for the purpose of population health screening. Participant phenotype was not available at the time of variant classification. Additional details can be found in publication PMID: 35346344, PMCID: PMC8962531

Color Diagnostics, LLC DBA Color Health
Classification: Likely benign for Cardiomyopathy. Last evaluated: 2021-11-02. Review status: criteria provided, single submitter. Criteria: ACMG Guidelines, 2015. Collection method: clinical testing. Allele origin: germline.

Ambry Genetics
Classification: Likely benign for Cardiovascular phenotype. Last evaluated: 2018-08-16. Review status: criteria provided, single submitter. Criteria: Ambry Variant Classification Scheme 2023. Collection method: clinical testing. Allele origin: germline.

GeneDx
Classification: Benign. Last evaluated: 2015-09-22. Review status: criteria provided, single submitter. Criteria: GeneDx Variant Classification Process June 2021. Collection method: clinical testing. Allele origin: germline. Affected: yes.

Laboratory for Molecular Medicine, Mass General Brigham Personalized Medicine
Classification: Likely benign. Last evaluated: 2013-01-14. Review status: criteria provided, single submitter. Criteria: LMM Criteria. Collection method: clinical testing. Allele origin: germline. Observed: 1 variant allele.
Comment: Tyr833Tyr in exon 22 of MYH7: This variant is not expected to have clinical sign ificance because it does not alter an amino acid residue and is not located with in the splice consensus sequence. Tyr833Tyr in exon 22 of MYH7 (allele frequen cy = n/a)

NM_000257.4(MYH7):c.2499C>T (p.Tyr833=)

Genes: MYH7 (myosin heavy chain 7; minus strand), LOC126861898 (BRD4-independent group 4 enhancer GRCh37_chr14:23893609-23894808; plus strand). Cytogenetic location: 14q11.2.
Variant type: single nucleotide variant.
Coding change: c.2499C>T on transcript NM_000257.4 (MANE Select); coding-DNA position 2499, C replaced by T.
Protein change: p.Tyr833=; no amino-acid change (tyrosine 833 retained).
Molecular consequence: synonymous variant.
Genome position (GRCh38, 1-based): chr14:23,424,949, G>A on the plus strand (C>T on the coding strand, the complement: MYH7 is on the minus strand). VCF-style: chr14-23424949-G-A. GRCh37 (hg19) VCF-style: chr14-23894158-G-A.
Identifiers: ClinVar variation 42908 (VCV000042908.27), dbSNP rs397516151, ClinGen allele CA012494.